The following is an entry in ClinVar:

NM_001040108.2(MLH3):c.3331C>T (p.Leu1111Phe)

Gene: MLH3 (mutL homolog 3; minus strand). Cytogenetic location: 14q24.3.
Variant type: single nucleotide variant.
Coding change: c.3331C>T on transcript NM_001040108.2 (MANE Select); coding-DNA position 3331, C replaced by T.
Protein change: p.Leu1111Phe; replaces leucine 1111 with phenylalanine.
Molecular consequence: missense variant.
Genome position (GRCh38, 1-based): chr14:75,042,427, G>A on the plus strand (C>T on the coding strand, the complement: MLH3 is on the minus strand). VCF-style: chr14-75042427-G-A. GRCh37 (hg19) VCF-style: chr14-75509130-G-A.
Other names: c.3331C>T, p.Leu1111Phe (NM_014381.3); short protein forms L1111F.
Identifiers: ClinVar variation 835956 (VCV000835956.13), dbSNP rs761143890, ClinGen allele CA7275532.

ClinVar aggregate classification (germline): Uncertain significance. Review status: criteria provided, multiple submitters, no conflicts (2 of 4 stars). 2 submissions from 2 submitters: Uncertain significance (2). Last evaluated 2025-09-08.

Conditions:
Colorectal cancer, hereditary nonpolyposis, type 7. Identifiers: Orphanet 144, MedGen C1858380, MONDO:0013725, OMIM 614385.

Allele frequency attached by ClinVar (database versions not stated): gnomAD 0.00001; gnomAD exomes 0.00001 and below 0.00001; TOPMed 0.00001; ExAC 0.00001.
gnomAD v4.1: 7 of 1,614,024 alleles (0.00043%); highest among the groups gnomAD compares: East Asian, 0.013%; no homozygotes.

Submissions (2):

Labcorp Genetics (formerly Invitae), Labcorp
Classification: Uncertain significance for Colorectal cancer, hereditary nonpolyposis, type 7. Last evaluated: 2025-09-08. Review status: criteria provided, single submitter. Criteria: Invitae Variant Classification Sherloc (09022015). Collection method: clinical testing. Allele origin: germline.
Comment: This sequence change replaces leucine, which is neutral and non-polar, with phenylalanine, which is neutral and non-polar, at codon 1111 of the MLH3 protein (p.Leu1111Phe). This variant is present in population databases (rs761143890, gnomAD 0.02%). This missense change has been observed in individual(s) with colon and prostate cancer (PMID: 29212164). ClinVar contains an entry for this variant (Variation ID: 835956). An algorithm developed to predict the effect of missense changes on protein structure and function (PolyPhen-2) suggests that this variant is likely to be disruptive. In summary, the available evidence is currently insufficient to determine the role of this variant in disease. Therefore, it has been classified as a Variant of Uncertain Significance.

Ambry Genetics
Classification: Uncertain significance. Last evaluated: 2025-06-08. Review status: criteria provided, single submitter. Criteria: Ambry Variant Classification Scheme 2023. Collection method: clinical testing. Allele origin: germline.
Comment: The p.L1111F variant (also known as c.3331C>T), located in coding exon 2 of the MLH3 gene, results from a C to T substitution at nucleotide position 3331. The leucine at codon 1111 is replaced by phenylalanine, an amino acid with highly similar properties. This amino acid position is highly conserved in available vertebrate species. In addition, the in silico prediction for this alteration is inconclusive. Since supporting evidence is limited at this time, the clinical significance of this alteration remains unclear.

Literature cited by the submitters: PubMed 29212164 (cited by Labcorp Genetics (formerly Invitae), Labcorp and Ambry Genetics); PubMed 23960188 (cited by Ambry Genetics).